The following is an entry in ClinVar:

NM_024675.4(PALB2):c.1586C>T (p.Pro529Leu)

Gene: PALB2 (partner and localizer of BRCA2; minus strand). Cytogenetic location: 16p12.2.
Variant type: single nucleotide variant.
Coding change: c.1586C>T on transcript NM_024675.4 (MANE Select); coding-DNA position 1586, C replaced by T.
Protein change: p.Pro529Leu; replaces proline 529 with leucine.
Molecular consequence: missense variant.
Genome position (GRCh38, 1-based): chr16:23,634,960, G>A on the plus strand (C>T on the coding strand, the complement: PALB2 is on the minus strand). VCF-style: chr16-23634960-G-A. GRCh37 (hg19) VCF-style: chr16-23646281-G-A.
Other names: short protein forms P529L.
Identifiers: ClinVar variation 819605 (VCV000819605.14), dbSNP rs1597095559, ClinGen allele CA395130604.

ClinVar aggregate classification (germline): Conflicting classifications of pathogenicity. Review status: criteria provided, conflicting classifications (1 of 4 stars). 2 submissions from 2 submitters: Uncertain significance (1); Likely benign (1). Last evaluated 2025-12-28.

Conditions:
Hereditary cancer-predisposing syndrome. Also called: Neoplastic Syndromes, Hereditary; Tumor predisposition; Hereditary Cancer Syndrome; Hereditary neoplastic syndrome. Identifiers: Orphanet 140162, MedGen C0027672, MeSH D009386, MONDO:0015356.
Familial cancer of breast. Also called: BREAST CANCER, FAMILIAL; Hereditary breast cancer; hereditary breast carcinoma. Identifiers: Orphanet 227535, MedGen C0346153, MONDO:0016419, OMIM 114480. Disease mechanism: loss of function.

Submissions (2):

Labcorp Genetics (formerly Invitae), Labcorp
Classification: Uncertain significance for Familial cancer of breast. Last evaluated: 2025-12-28. Review status: criteria provided, single submitter. Criteria: Invitae Variant Classification Sherloc (09022015). Collection method: clinical testing. Allele origin: germline.
Comment: This sequence change replaces proline, which is neutral and non-polar, with leucine, which is neutral and non-polar, at codon 529 of the PALB2 protein (p.Pro529Leu). This variant is not present in population databases (gnomAD no frequency). This variant has not been reported in the literature in individuals affected with PALB2-related conditions. ClinVar contains an entry for this variant (Variation ID: 819605). Invitae Evidence Modeling of protein sequence and biophysical properties (such as structural, functional, and spatial information, amino acid conservation, physicochemical variation, residue mobility, and thermodynamic stability) indicates that this missense variant is not expected to disrupt PALB2 protein function with a negative predictive value of 80%. In summary, the available evidence is currently insufficient to determine the role of this variant in disease. Therefore, it has been classified as a Variant of Uncertain Significance.

Ambry Genetics
Classification: Likely benign for Hereditary cancer-predisposing syndrome. Last evaluated: 2018-08-21. Review status: criteria provided, single submitter. Criteria: Ambry Variant Classification Scheme 2023. Collection method: clinical testing. Allele origin: germline.